The following is an entry in ClinVar:

ClinVar aggregate classification (germline): Uncertain significance (1 of 4 stars; one submission).

Allele frequency attached by ClinVar (database versions not stated): TOPMed below 0.00001.

Submission:

Labcorp Genetics (formerly Invitae), Labcorp
Classification: Uncertain significance. Last evaluated: 2024-10-23. Review status: criteria provided, single submitter. Criteria: Invitae Variant Classification Sherloc (09022015). Collection method: clinical testing. Allele origin: germline.
Comment: This sequence change replaces glutamic acid, which is acidic and polar, with lysine, which is basic and polar, at codon 710 of the TONSL protein (p.Glu710Lys). This variant is not present in population databases (gnomAD no frequency). This variant has not been reported in the literature in individuals affected with TONSL-related conditions. ClinVar contains an entry for this variant (Variation ID: 1502956). An algorithm developed to predict the effect of missense changes on protein structure and function (PolyPhen-2) suggests that this variant is likely to be tolerated. In summary, the available evidence is currently insufficient to determine the role of this variant in disease. Therefore, it has been classified as a Variant of Uncertain Significance.

NM_013432.5(TONSL):c.2128G>A (p.Glu710Lys)

Genes: TONSL-AS1 (TONSL antisense RNA 1; plus strand), TONSL (tonsoku like, DNA repair protein; minus strand). Cytogenetic location: 8q24.3.
Variant type: single nucleotide variant.
Coding change: c.2128G>A on transcript NM_013432.5 (MANE Select); coding-DNA position 2128, G replaced by A.
Protein change: p.Glu710Lys; replaces glutamic acid 710 with lysine.
Molecular consequence: missense variant.
Genome position (GRCh38, 1-based): chr8:144,436,305, C>T on the plus strand (G>A on the coding strand, the complement: TONSL is on the minus strand). VCF-style: chr8-144436305-C-T. GRCh37 (hg19) VCF-style: chr8-145661688-C-T.
Other names: short protein forms E710K.
Identifiers: ClinVar variation 1502956 (VCV001502956.6), dbSNP rs1823455407, ClinGen allele CA372657612.